The following is an entry in ClinVar:

ClinVar aggregate classification (germline): Uncertain significance (1 of 4 stars; one submission).

Submission:

CeGaT Center for Human Genetics Tuebingen
Classification: Uncertain significance. Last evaluated: 2022-05-01. Review status: criteria provided, single submitter. Criteria: CeGaT Center For Human Genetics Tuebingen Variant Classification Criteria Version 2. Collection method: clinical testing. Allele origin: germline. Affected: yes. Observed: 1 variant allele.
Comment: PPP2R5B: PM2

NM_006244.4(PPP2R5B):c.438C>A (p.Asn146Lys)

Genes: PPP2R5B (protein phosphatase 2 regulatory subunit B'beta; plus strand), LOC126861234 (BRD4-independent group 4 enhancer GRCh37_chr11:64694868-64696067; plus strand). Cytogenetic location: 11q13.1.
Variant type: single nucleotide variant.
Coding change: c.438C>A on transcript NM_006244.4 (MANE Select); coding-DNA position 438, C replaced by A.
Protein change: p.Asn146Lys; replaces asparagine 146 with lysine.
Molecular consequence: missense variant.
Genome position (GRCh38, 1-based): chr11:64,927,843, C>A. VCF-style: chr11-64927843-C-A. GRCh37 (hg19) VCF-style: chr11-64695315-C-A.
Other names: short protein forms N146K.
Identifiers: ClinVar variation 2641942 (VCV002641942.24), dbSNP rs2498186081, ClinGen allele CA381199519.